The following is an entry in ClinVar:

NM_022915.5(MRPL44):c.30G>A (p.Gln10=)

Genes: MRPL44 (mitochondrial ribosomal protein L44; plus strand), LOC129935704 (ATAC-STARR-seq lymphoblastoid active region 17184; plus strand). Cytogenetic location: 2q36.1.
Variant type: single nucleotide variant.
Coding change: c.30G>A on transcript NM_022915.5 (MANE Select); coding-DNA position 30, G replaced by A.
Protein change: p.Gln10=; no amino-acid change (glutamine 10 retained).
Molecular consequence: synonymous variant.
Genome position (GRCh38, 1-based): chr2:223,957,502, G>A. VCF-style: chr2-223957502-G-A. GRCh37 (hg19) VCF-style: chr2-224822219-G-A.
Identifiers: ClinVar variation 381827 (VCV000381827.1), dbSNP rs201475876, ClinGen allele CA16604409.

ClinVar aggregate classification (germline): Likely benign (1 of 4 stars; one submission).

Submission:

GeneDx
Classification: Likely benign. Last evaluated: 2015-11-18. Review status: criteria provided, single submitter. Criteria: GeneDx Variant Classification (06012015). Collection method: clinical testing. Allele origin: germline. Affected: yes.
Comment: This variant is considered likely benign or benign based on one or more of the following criteria: it is a conservative change, it occurs at a poorly conserved position in the protein, it is predicted to be benign by multiple in silico algorithms, and/or has population frequency not consistent with disease.